The following is an entry in ClinVar:

ClinVar aggregate classification (germline): Likely benign. Review status: criteria provided, multiple submitters, no conflicts (2 of 4 stars). 3 submissions from 3 submitters: Likely benign (2). 1 of the submissions does not count toward it. Last evaluated 2025-11-28.

Conditions:
ALDH18A1-related disorder. Also called: ALDH18A1-related disorders.
Cutis laxa, autosomal dominant 3 (ADCL3). Identifiers: Orphanet 90348, MedGen C4225268, MONDO:0014706, OMIM 616603.
Autosomal dominant spastic paraplegia type 9. Identifiers: MedGen C1832669, MONDO:0015091.
de Barsy syndrome. Also called: Cutis laxa-corneal clouding-oligophrenia syndrome. Identifiers: Orphanet 2962, MedGen C0268354, MONDO:0017569.

Allele frequency attached by ClinVar (database versions not stated): ExAC 0.00001; gnomAD 0.00001; TOPMed 0.00001.
gnomAD v4.1: 83 of 1,612,776 alleles (0.0051%); highest among the groups gnomAD compares: Non-Finnish European, 0.007%; no homozygotes.

Submissions (3):

Women's Health and Genetics/Laboratory Corporation of America, LabCorp
Classification: Likely benign. Last evaluated: 2025-11-28. Review status: criteria provided, single submitter. Criteria: LabCorp Variant Classification Summary - May 2015. Collection method: clinical testing. Allele origin: germline.

Labcorp Genetics (formerly Invitae), Labcorp
Classification: Likely benign for Autosomal dominant spastic paraplegia type 9; de Barsy syndrome; Cutis laxa, autosomal dominant 3. Last evaluated: 2025-08-26. Review status: criteria provided, single submitter. Criteria: Invitae Variant Classification Sherloc (09022015). Collection method: clinical testing. Allele origin: germline.

PreventionGenetics, part of Exact Sciences
Classification: Likely benign for ALDH18A1-related condition. Last evaluated: 2024-06-18. Review status: no assertion criteria provided. Collection method: clinical testing. Allele origin: germline. Not counted in ClinVar's aggregate classification.
Comment: This variant is classified as likely benign based on ACMG/AMP sequence variant interpretation guidelines (Richards et al. 2015 PMID: 25741868, with internal and published modifications).

NM_002860.4(ALDH18A1):c.303+10A>T

Gene: ALDH18A1 (aldehyde dehydrogenase 18 family member A1; minus strand). Cytogenetic location: 10q24.1.
Variant type: single nucleotide variant.
Coding change: c.303+10A>T on transcript NM_002860.4 (MANE Select); 10 bases into the intron after coding-DNA position 303, A replaced by T.
Molecular consequence: intron variant.
Genome position (GRCh38, 1-based): chr10:95,642,982, T>A on the plus strand (A>T on the coding strand, the complement: ALDH18A1 is on the minus strand). VCF-style: chr10-95642982-T-A. GRCh37 (hg19) VCF-style: chr10-97402739-T-A.
Other names: c.-78-9333A>T (NM_001323419.2); c.-30-5546A>T (NM_001323412.2, NM_001323418.2, NM_001323416.2); c.303+10A>T (NM_001323417.2, NM_001017423.2, NM_001323415.2 and 3 more transcripts).
Identifiers: ClinVar variation 2418285 (VCV002418285.9), dbSNP rs774979696, ClinGen allele CA5620647.